The following is an entry in ClinVar:

NM_024675.4(PALB2):c.3201+1G>T

Gene: PALB2 (partner and localizer of BRCA2; minus strand). Cytogenetic location: 16p12.2.
Variant type: single nucleotide variant.
Coding change: c.3201+1G>T on transcript NM_024675.4 (MANE Select); the canonical splice donor site of the intron after coding-DNA position 3201, G replaced by T.
Molecular consequence: splice donor variant. On other transcripts: intron variant (3).
Genome position (GRCh38, 1-based): chr16:23,614,003, C>A on the plus strand (G>T on the coding strand, the complement: PALB2 is on the minus strand). VCF-style: chr16-23614003-C-A. GRCh37 (hg19) VCF-style: chr16-23625324-C-A.
Other names: c.2228+7359G>T (NM_001407308.1, NM_001407309.1); c.2316+1G>T (NM_001407306.1, NM_001407311.1, NM_001407305.1 and 2 more transcripts); c.735+1G>T (NM_001407314.1); c.1413+1G>T (NM_001407313.1, NM_001407312.1); c.3141+1G>T (NM_001407296.1); c.3129+1G>T (NM_001407297.1); c.3039+1G>T (NM_001407302.1, NM_001407298.1); c.2922+1G>T (NM_001407300.1); and 3 more.
Identifiers: ClinVar variation 141501 (VCV000141501.16), dbSNP rs587776423, ClinGen allele CA165631.
Genomic context (GRCh38, chr16:23,614,003, plus strand): 5'-TGCTCTCACTTAATGAGACCAACAGTAACACACAAAGTGGTCCCAGCCAGTCATTACTTA[C>A]CATTTCAGAATAGGCTTTGTGACAGACTGAAGCTTGGTAAGAATCATCAATGTGCATCTT-3'

ClinVar aggregate classification (germline): Pathogenic/Likely pathogenic. Review status: criteria provided, multiple submitters, no conflicts (2 of 4 stars). 4 submissions from 4 submitters: Pathogenic (1); Likely pathogenic (3). Last evaluated 2024-04-29.

Conditions:
Hereditary cancer-predisposing syndrome. Also called: Neoplastic Syndromes, Hereditary; Tumor predisposition; Hereditary Cancer Syndrome; Hereditary neoplastic syndrome. Identifiers: Orphanet 140162, MedGen C0027672, MeSH D009386, MONDO:0015356.
Familial cancer of breast. Also called: BREAST CANCER, FAMILIAL; Hereditary breast cancer; hereditary breast carcinoma. Identifiers: Orphanet 227535, MedGen C0346153, MONDO:0016419, OMIM 114480. Disease mechanism: loss of function.

Allele frequency attached by ClinVar (database versions not stated): gnomAD 0.00001.
gnomAD v4.1: 1 of 1,609,178 alleles (0.000062%); highest among the groups gnomAD compares: East Asian, 0.0022%; no homozygotes.

Submissions (4):

Labcorp Genetics (formerly Invitae), Labcorp
Classification: Pathogenic for Familial cancer of breast. Last evaluated: 2024-04-29. Review status: criteria provided, single submitter. Criteria: Invitae Variant Classification Sherloc (09022015). Collection method: clinical testing. Allele origin: germline.
Comment: This sequence change affects a donor splice site in intron 11 of the PALB2 gene. RNA analysis indicates that disruption of this splice site induces altered splicing and may result in an absent or disrupted protein product. This variant is not present in population databases (gnomAD no frequency). Disruption of this splice site has been observed in individual(s) with gastric cancer, renal cell carcinoma, and uveal melanoma (PMID: 28024868, 32081490). ClinVar contains an entry for this variant (Variation ID: 141501). Studies have shown that disruption of this splice site alters mRNA splicing and is expected to lead to the loss of protein expression (PMID: 34846068; Invitae). For these reasons, this variant has been classified as Pathogenic.

Myriad Genetics, Inc.
Classification: Likely pathogenic for Familial cancer of breast. Last evaluated: 2023-09-14. Review status: criteria provided, single submitter. Criteria: Myriad Autosomal Dominant, Autosomal Recessive and X-Linked Classification Criteria (2023). Collection method: clinical testing. Allele origin: unknown.
Comment: This variant is considered likely pathogenic. This variant occurs within a consensus splice junction and is predicted to result in abnormal mRNA splicing of either an out-of-frame exon or an in-frame exon necessary for protein stability and/or normal function.

Baylor Genetics
Classification: Likely pathogenic for Familial cancer of breast. Last evaluated: 2021-06-21. Review status: criteria provided, single submitter. Criteria: ACMG Guidelines, 2015. Collection method: clinical testing. Allele origin: unknown.

Ambry Genetics
Classification: Likely pathogenic for Hereditary cancer-predisposing syndrome. Last evaluated: 2014-02-26. Review status: criteria provided, single submitter. Criteria: Ambry Autosomal Dominant and X-Linked criteria (10/2015). Collection method: clinical testing. Allele origin: germline. Observed: 1 variant allele.
Comment: Ã¢â‚¬â€¹The c.3201+1G>T intronic variant results from a G to T substitution one nucleotide after coding exon 11 of the PALB2 gene. Another alteration at this position, c.3201+1G>C (reported as c.3202+1G>C), has been described in a patient with a personal history of contralateral breast cancer and family history of breast cancer in a first-degree relative (Tischkowitz M et al. Hum. Mutat. 2012 Apr;33(4):674-80). The c.3201+1G>T variant was not reported in population-based cohorts in the following databases: Database of Single Nucleotide Polymorphisms (dbSNP), NHLBI Exome Sequencing Project (ESP) and 1000 Genomes Project. To date, this alteration has been detected with an allele frequency of approximately 0.01% (greater than 10000 alleles tested) in our clinical cohort (includes this individual). Based on nucleotide sequence alignment, this position is highly conserved in available vertebrate species. Using the BDGP and ESEfinder splice site prediction tools, this alteration is predicted to abolish the native splice donor site; however, direct evidence is unavailable. Alterations that disrupt the canonical splice donor site are typically deleterious in nature (ACMG Recommendations for Standards for Interpretation and Reporting of Sequence Variations. Revision 2007. Genet Med. 2008;10:294). As such, the c.3201+1G>T variant is classified as likely pathogenic.

Literature cited by the submitters: PubMed 28024868 (cited by Labcorp Genetics (formerly Invitae), Labcorp); PubMed 32081490 (cited by Labcorp Genetics (formerly Invitae), Labcorp); PubMed 34846068 (cited by Labcorp Genetics (formerly Invitae), Labcorp); PubMed 22241545 (cited by Ambry Genetics).